The following is an entry in ClinVar:

NM_025144.4(ALPK1):c.1343G>C (p.Gly448Ala)

Gene: ALPK1 (alpha kinase 1; plus strand). Cytogenetic location: 4q25.
Variant type: single nucleotide variant.
Coding change: c.1343G>C on transcript NM_025144.4 (MANE Select); coding-DNA position 1343, G replaced by C.
Protein change: p.Gly448Ala; replaces glycine 448 with alanine.
Molecular consequence: missense variant.
Genome position (GRCh38, 1-based): chr4:112,430,890, G>C. VCF-style: chr4-112430890-G-C. GRCh37 (hg19) VCF-style: chr4-113352046-G-C.
Other names: c.1343G>C, p.Gly448Ala (NM_001102406.2); c.1109G>C, p.Gly370Ala (NM_001253884.2); short protein forms G370A, G448A.
Identifiers: ClinVar variation 4764763 (VCV004764763.1).

ClinVar aggregate classification (germline): Uncertain significance (1 of 4 stars; one submission).

Submission:

Labcorp Genetics (formerly Invitae), Labcorp
Classification: Uncertain significance. Last evaluated: 2025-04-14. Review status: criteria provided, single submitter. Criteria: Invitae Variant Classification Sherloc (09022015). Collection method: clinical testing. Allele origin: germline.
Comment: This sequence change replaces glycine, which is neutral and non-polar, with alanine, which is neutral and non-polar, at codon 448 of the ALPK1 protein (p.Gly448Ala). This variant is not present in population databases (gnomAD no frequency). This variant has not been reported in the literature in individuals affected with ALPK1-related conditions. Invitae Evidence Modeling of protein sequence and biophysical properties (such as structural, functional, and spatial information, amino acid conservation, physicochemical variation, residue mobility, and thermodynamic stability) has been performed for this missense variant. However, the output from this modeling did not meet the statistical confidence thresholds required to predict the impact of this variant on ALPK1 protein function. In summary, the available evidence is currently insufficient to determine the role of this variant in disease. Therefore, it has been classified as a Variant of Uncertain Significance.